The following is an entry in ClinVar:

NM_001242896.3(DEPDC5):c.2135C>T (p.Ser712Phe)

Gene: DEPDC5 (DEP domain containing 5, GATOR1 subcomplex subunit; plus strand). Cytogenetic location: 22q12.3.
Variant type: single nucleotide variant.
Coding change: c.2135C>T on transcript NM_001242896.3 (MANE Select); coding-DNA position 2135, C replaced by T.
Protein change: p.Ser712Phe; replaces serine 712 with phenylalanine.
Molecular consequence: missense variant. On other transcripts: non-coding transcript variant (5).
Genome position (GRCh38, 1-based): chr22:31,833,945, C>T. VCF-style: chr22-31833945-C-T. GRCh37 (hg19) VCF-style: chr22-32229931-C-T.
Other names: p.Ser712Phe; c.2135C>T, p.Ser712Phe (NM_001136029.4, NM_001363852.2, NM_001364318.2 and 3 more transcripts); c.1901C>T, p.Ser634Phe (NM_001242897.2, NM_001363854.2, NM_001364319.2); c.2051C>T, p.Ser684Phe (NM_001369901.1, NM_001369902.1); short protein forms S712F, S634F, S684F.
Identifiers: ClinVar variation 414462 (VCV000414462.20), dbSNP rs16989535, ClinGen allele CA10196600.

ClinVar aggregate classification (germline): Benign. Review status: criteria provided, multiple submitters, no conflicts (2 of 4 stars). 8 submissions from 8 submitters: Benign (7). 1 of the submissions does not count toward it. Last evaluated 2026-02-03.

Conditions:
Self-limited epilepsy with centrotemporal spikes. Also called: Childhood epilepsy with centrotemporal spikes; Rolandic epilepsy. Identifiers: Orphanet 1945, MedGen C0376532, MONDO:0007295.
Inborn genetic diseases. Identifiers: MedGen C0950123, MeSH D030342.
Focal epilepsy. Also called: partial epilepsy. Identifiers: MedGen C0014547, MeSH D004828, MONDO:0005384.
Familial focal epilepsy with variable foci (FPEVF). Identifiers: Orphanet 98820, MedGen C1858477, MONDO:0020310.

Allele frequency attached by ClinVar (database versions not stated): gnomAD exomes 0.00426 and 0.00866; ExAC 0.00979; gnomAD 0.02277 and 0.02396; ESP Exome Variant Server 0.02334; TOPMed 0.02468; 1000 Genomes Project 0.02636; 1000 Genomes Project 30x 0.02655.

Submissions (8):

Labcorp Genetics (formerly Invitae), Labcorp
Classification: Benign for Familial focal epilepsy with variable foci. Last evaluated: 2026-02-03. Review status: criteria provided, single submitter. Criteria: Invitae Variant Classification Sherloc (09022015). Collection method: clinical testing. Allele origin: germline.

Athena Diagnostics
Classification: Benign. Last evaluated: 2024-02-01. Review status: criteria provided, single submitter. Criteria: Athena Diagnostics Criteria. Collection method: clinical testing. Allele origin: unknown.

Department of Pathology and Laboratory Medicine, Sinai Health System
Classification: Benign for focal epilepsy. Last evaluated: 2023-04-03. Review status: criteria provided, single submitter. Criteria: ACMG Guidelines, 2015. Collection method: research. Allele origin: germline.

Mayo Clinic Laboratories, Mayo Clinic
Classification: Benign. Last evaluated: 2018-10-01. Review status: criteria provided, single submitter. Criteria: ACMG Guidelines, 2015. Collection method: clinical testing. Allele origin: germline. Observed: 13 variant alleles.

GeneDx
Classification: Benign. Last evaluated: 2018-07-27. Review status: criteria provided, single submitter. Criteria: GeneDx Variant Classification Process June 2021. Collection method: clinical testing. Allele origin: germline. Affected: yes.

Ambry Genetics
Classification: Benign for Inborn genetic diseases. Last evaluated: 2016-02-24. Review status: criteria provided, single submitter. Criteria: Ambry Variant Classification Scheme 2023. Collection method: clinical testing. Allele origin: germline.

Breakthrough Genomics
Classification: Benign. Review status: criteria provided, single submitter. Criteria: ACMG Guidelines, 2015. Collection method: not provided. Allele origin: germline. Inheritance: Autosomal dominant inheritance. Affected: yes.

Bioinformatics Core, Luxembourg Center for Systems Biomedicine
Classification: Pathogenic for Self-limited epilepsy with centrotemporal spikes. Last evaluated: 2017-01-01. Review status: flagged submission. Collection method: case-control. Allele origin: germline. Affected: yes. Study: EUROEPINOMICS COGIE. Not counted in ClinVar's aggregate classification.
Comment: CAADphred>15
ClinVar note: Reason: Outlier claim with insufficient supporting evidence

Literature cited by the submitters: PubMed 29358611 (cited by Bioinformatics Core, Luxembourg Center for Systems Biomedicine).